The following is an entry in ClinVar:

NM_005334.3(HCFC1):c.5709G>A (p.Pro1903=)

Gene: HCFC1 (host cell factor C1; minus strand). Cytogenetic location: Xq28.
Variant type: single nucleotide variant.
Coding change: c.5709G>A on transcript NM_005334.3 (MANE Select); coding-DNA position 5709, G replaced by A.
Protein change: p.Pro1903=; no amino-acid change (proline 1903 retained).
Molecular consequence: synonymous variant.
Genome position (GRCh38, 1-based): chrX:153,950,538, C>T on the plus strand (G>A on the coding strand, the complement: HCFC1 is on the minus strand). VCF-style: chrX-153950538-C-T. GRCh37 (hg19) VCF-style: chrX-153215989-C-T.
Other names: c.5844G>A, p.Pro1948= (NM_001410705.1).
Identifiers: ClinVar variation 2661763 (VCV002661763.27), dbSNP rs1557112185, ClinGen allele CA519697902.

ClinVar aggregate classification (germline): Likely benign. Review status: criteria provided, multiple submitters, no conflicts (2 of 4 stars). 2 submissions from 2 submitters: Likely benign (2). Last evaluated 2024-03-05.

Conditions:
Methylmalonic acidemia with homocystinuria, type cblX (MAHCX). Also called: INTELLECTUAL DEVELOPMENTAL DISORDER, X-LINKED 3. Identifiers: Orphanet 369962, MedGen C0796208, MONDO:0010657, OMIM 309541.

Allele frequency attached by ClinVar (database versions not stated): TOPMed 0.00001; gnomAD 0.00002.
gnomAD v4.1: 13 of 1,157,287 alleles (0.0011%); highest among the groups gnomAD compares: Admixed American, 0.0052%; no homozygotes.

Submissions (2):

Labcorp Genetics (formerly Invitae), Labcorp
Classification: Likely benign for Methylmalonic acidemia with homocystinuria, type cblX. Last evaluated: 2024-03-05. Review status: criteria provided, single submitter. Criteria: Invitae Variant Classification Sherloc (09022015). Collection method: clinical testing. Allele origin: germline.

CeGaT Center for Human Genetics Tuebingen
Classification: Likely benign. Last evaluated: 2023-02-01. Review status: criteria provided, single submitter. Criteria: CeGaT Center For Human Genetics Tuebingen Variant Classification Criteria Version 2. Collection method: clinical testing. Allele origin: germline. Affected: yes. Observed: 2 variant alleles.
Comment: HCFC1: BP4, BP7